The following is an entry in ClinVar:

NM_004287.5(GOSR2):c.541C>G (p.Leu181Val)

Genes: GOSR2 (golgi SNAP receptor complex member 2; plus strand), LRRC37A2 (leucine rich repeat containing 37 member A2). Cytogenetic location: 17q21.32.
Variant type: single nucleotide variant.
Coding change: c.541C>G on transcript NM_004287.5 (MANE Select); coding-DNA position 541, C replaced by G.
Protein change: p.Leu181Val; replaces leucine 181 with valine.
Molecular consequence: missense variant. On other transcripts: non-coding transcript variant (3).
Genome position (GRCh38, 1-based): chr17:46,938,662, C>G. VCF-style: chr17-46938662-C-G. GRCh37 (hg19) VCF-style: chr17-45016028-C-G.
Other names: c.541C>G, p.Leu181Val (NM_001321133.2, NM_054022.4); c.346C>G, p.Leu116Val (NM_001321134.2); c.400C>G, p.Leu134Val (NM_001330252.2); c.538C>G, p.Leu180Val (NM_001353114.2); c.397C>G, p.Leu133Val (NM_001353115.2, NM_001353116.2); c.487C>G, p.Leu163Val (NM_001363851.2); short protein forms L181V, L133V, L180V, L134V, L116V, L163V.
Identifiers: ClinVar variation 323826 (VCV000323826.14), dbSNP rs772342696, ClinGen allele CA8621352.

ClinVar aggregate classification (germline): Uncertain significance. Review status: criteria provided, multiple submitters, no conflicts (2 of 4 stars). 2 submissions from 2 submitters: Uncertain significance (2). Last evaluated 2022-08-23.

Conditions:
Progressive myoclonic epilepsy. Also called: Myoclonus epilepsy; Progressive myoclonus epilepsy; Familial progressive myoclonic epilepsy; Myoclonic Epilepsies, Progressive. Identifiers: Orphanet 308, Orphanet 98261, MedGen C0751778, MONDO:0020074.

Allele frequency attached by ClinVar (database versions not stated): gnomAD 0.00001; TOPMed 0.00001; ExAC 0.00002; gnomAD exomes 0.00002.
gnomAD v4.1: 28 of 1,614,012 alleles (0.0017%); highest among the groups gnomAD compares: Non-Finnish European, 0.0022%; no homozygotes.

Submissions (2):

Labcorp Genetics (formerly Invitae), Labcorp
Classification: Uncertain significance for Progressive myoclonic epilepsy. Last evaluated: 2022-08-23. Review status: criteria provided, single submitter. Criteria: Invitae Variant Classification Sherloc (09022015). Collection method: clinical testing. Allele origin: germline.
Comment: In summary, the available evidence is currently insufficient to determine the role of this variant in disease. Therefore, it has been classified as a Variant of Uncertain Significance. Algorithms developed to predict the effect of missense changes on protein structure and function (SIFT, PolyPhen-2, Align-GVGD) all suggest that this variant is likely to be tolerated. ClinVar contains an entry for this variant (Variation ID: 323826). This variant has not been reported in the literature in individuals affected with GOSR2-related conditions. This variant is present in population databases (rs772342696, gnomAD 0.004%). This sequence change replaces leucine, which is neutral and non-polar, with valine, which is neutral and non-polar, at codon 181 of the GOSR2 protein (p.Leu181Val).

GeneDx
Classification: Uncertain significance. Last evaluated: 2019-04-09. Review status: criteria provided, single submitter. Criteria: GeneDx Variant Classification Process June 2021. Collection method: clinical testing. Allele origin: germline. Affected: yes.
Comment: Not observed at a significant frequency in large population cohorts (Lek et al., 2016); In silico analysis, which includes protein predictors and evolutionary conservation, supports that this variant does not alter protein structure/function; Has not been previously published as pathogenic or benign to our knowledge